The following is an entry in ClinVar:

NM_021738.3(SVIL):c.3336G>T (p.Pro1112=)

Gene: SVIL (supervillin; minus strand). Cytogenetic location: 10p11.23.
Variant type: single nucleotide variant.
Coding change: c.3336G>T on transcript NM_021738.3 (MANE Select); coding-DNA position 3336, G replaced by T.
Protein change: p.Pro1112=; no amino-acid change (proline 1112 retained).
Molecular consequence: synonymous variant.
Genome position (GRCh38, 1-based): chr10:29,522,463, C>A on the plus strand (G>T on the coding strand, the complement: SVIL is on the minus strand). VCF-style: chr10-29522463-C-A. GRCh37 (hg19) VCF-style: chr10-29811392-C-A.
Other names: c.2406G>T, p.Pro802= (NM_001323599.2); c.2154G>T, p.Pro718= (NM_001323600.1); c.2058G>T, p.Pro686= (NM_003174.3).
Identifiers: ClinVar variation 3257642 (VCV003257642.18).

ClinVar aggregate classification (germline): Likely benign. Review status: criteria provided, multiple submitters, no conflicts (2 of 4 stars). 2 submissions from 2 submitters: Likely benign (2). Last evaluated 2026-09-01.

gnomAD v4.1: 4,105 of 1,614,176 alleles (0.25%); highest among the groups gnomAD compares: Non-Finnish European, 0.32%; 10 homozygotes.

Submissions (2):

CeGaT Center for Human Genetics Tuebingen
Classification: Likely benign. Last evaluated: 2026-09-01. Review status: criteria provided, single submitter. Criteria: CeGaT Center For Human Genetics Tuebingen Variant Classification Criteria Version 2. Collection method: clinical testing. Allele origin: germline. Affected: yes. Observed: 4 variant alleles.
Comment: SVIL: BP4, BP7

Blueprint Genetics
Classification: Likely benign. Last evaluated: 2024-11-20. Review status: criteria provided, single submitter. Criteria: ACMG Guidelines, 2015. Collection method: clinical testing. Allele origin: germline.